The following is an entry in ClinVar:

ClinVar aggregate classification (germline): Uncertain significance. Review status: criteria provided, multiple submitters, no conflicts (2 of 4 stars). 2 submissions from 2 submitters: Uncertain significance (2). Last evaluated 2025-05-19.

Submissions (2):

Labcorp Genetics (formerly Invitae), Labcorp
Classification: Uncertain significance. Last evaluated: 2025-05-19. Review status: criteria provided, single submitter. Criteria: Invitae Variant Classification Sherloc (09022015). Collection method: clinical testing. Allele origin: germline.
Comment: This sequence change replaces arginine, which is basic and polar, with glutamine, which is neutral and polar, at codon 79 of the MARS2 protein (p.Arg79Gln). This variant is not present in population databases (gnomAD no frequency). This variant has not been reported in the literature in individuals affected with MARS2-related conditions. Invitae Evidence Modeling of protein sequence and biophysical properties (such as structural, functional, and spatial information, amino acid conservation, physicochemical variation, residue mobility, and thermodynamic stability) indicates that this missense variant is not expected to disrupt MARS2 protein function with a negative predictive value of 80%. In summary, the available evidence is currently insufficient to determine the role of this variant in disease. Therefore, it has been classified as a Variant of Uncertain Significance.

Ambry Genetics
Classification: Uncertain significance. Last evaluated: 2025-05-03. Review status: criteria provided, single submitter. Criteria: Ambry Variant Classification Scheme 2023. Collection method: clinical testing. Allele origin: germline.

NM_138395.4(MARS2):c.236G>A (p.Arg79Gln)

Gene: MARS2 (methionyl-tRNA synthetase 2, mitochondrial; plus strand). Cytogenetic location: 2q33.1.
Variant type: single nucleotide variant.
Coding change: c.236G>A on transcript NM_138395.4 (MANE Select); coding-DNA position 236, G replaced by A.
Protein change: p.Arg79Gln; replaces arginine 79 with glutamine.
Molecular consequence: missense variant.
Genome position (GRCh38, 1-based): chr2:197,705,641, G>A. VCF-style: chr2-197705641-G-A. GRCh37 (hg19) VCF-style: chr2-198570365-G-A.
Other names: short protein forms R79Q.
Identifiers: ClinVar variation 4051857 (VCV004051857.2).